The following is an entry in ClinVar:

ClinVar aggregate classification (germline): Pathogenic. Review status: reviewed by expert panel (3 of 4 stars). 3 submissions from 3 submitters: Pathogenic (1). 2 of the submissions do not count toward it. Last evaluated 2022-06-06.

Conditions:
Arginine:glycine amidinotransferase deficiency (CCDS3). Also called: L-Arginine:Glycine Amidinotransferase (AGAT) Deficiency; AGAT deficiency; Creatine deficiency syndrome due to AGAT deficiency; GATM deficiency; Cerebral creatine deficiency syndrome 3; L-Arginine:Glycine Amidinotransferase Deficiency. Identifiers: Orphanet 35704, MedGen C2675179, MONDO:0012996, OMIM 612718.

Submissions (3):

ClinGen Cerebral Creatine Deficiency Syndromes Variant Curation Expert Panel, ClinGen
Classification: Pathogenic for Arginine:glycine amidinotransferase deficiency. Last evaluated: 2022-06-06. Review status: reviewed by expert panel. Criteria: ClinGen_CCDS_ACMG_Specifications_GATM_v1.1. Collection method: curation. Allele origin: germline. Inheritance: Autosomal recessive inheritance.
Comment: The NM_001482.3:c.1111dup (p.Met371AsnfsTer6) variant in GATM is a frameshift variant predicted to cause a premature stop codon in the last 50 nucleotides of the penultimate exon and therefore to escape nonsense mediated decay. More than 10% of the protein is predicted to be removed (PVS1_Strong). This variant has been detected in two siblings with AGAT deficiency who had significantly decreased creatine peak on brain MRS (PMID 20682460) (PP4_Strong). Both individuals were homozygous for the variant, confirmed in trans by parental testing (PMID 20682460) (PM3_Supporting). This variant is absent from gnomAD v2.1.1 (PM2_Supporting). In summary, this variant meets the criteria to be classified as pathogenic for AGAT deficiency based on the ACMG/AMP criteria applied, as specified by the ClinGen Cerebral Creatine Deficiency Syndromes Variant Curation Expert Panel (Specifications Version 1.1.0): PVS1_Strong, PP4_Strong, PM3_Supporting, PM2_Supporting. (Classification approved by the ClinGen CCDS VCEP on June 6, 2022).

OMIM
Classification: Pathogenic for CEREBRAL CREATINE DEFICIENCY SYNDROME 3. Last evaluated: 2010-10-01. Review status: no assertion criteria provided. Collection method: literature only. Allele origin: germline. Not counted in ClinVar's aggregate classification.

GeneReviews
No classification provided. Condition: Arginine:glycine amidinotransferase deficiency. Review status: no classification provided. Collection method: literature only. Allele origin: germline. Affected: yes. Not counted in ClinVar's aggregate classification.

Literature cited by the submitters: PubMed 20682460 (cited by OMIM and GeneReviews); NCBI Bookshelf NBK3794 (cited by GeneReviews).

NM_001482.3(GATM):c.1111dup (p.Met371fs)

Gene: GATM (glycine amidinotransferase; minus strand). Cytogenetic location: 15q21.1.
Variant type: Duplication.
Coding change: c.1111dup on transcript NM_001482.3 (MANE Select); coding-DNA position 1111, one base duplicated (A; older notation c.1111dupA).
Protein change: p.Met371fs; shifts the reading frame from methionine 371.
Molecular consequence: frameshift variant.
Genome position (GRCh38, 1-based): chr15:45,363,948, T duplicated on the plus strand (A on the coding strand, the reverse complement: GATM is on the minus strand). VCF-style (leftmost placement, unchanged base first): chr15-45363947-A-AT. GRCh37 (hg19) VCF-style: chr15-45656145-A-AT.
Other names: NM_001482.3(GATM):c.1111dup; p.Met371fs; c.724dup, p.Met242fs (NM_001321015.2); short protein forms M371fs, M242fs.
Identifiers: ClinVar variation 55918 (VCV000055918.4), dbSNP rs397515542, ClinGen allele CA344713.